The following is an entry in ClinVar:

ClinVar aggregate classification (germline): Likely benign (1 of 4 stars; one submission).

gnomAD v4.1: 236 of 429,756 alleles (0.055%); highest among the groups gnomAD compares: African/African-American, 0.51%; 4 homozygotes.

Submission:

CeGaT Center for Human Genetics Tuebingen
Classification: Likely benign. Last evaluated: 2026-03-01. Review status: criteria provided, single submitter. Criteria: CeGaT Center For Human Genetics Tuebingen Variant Classification Criteria Version 2. Collection method: clinical testing. Allele origin: germline. Affected: yes. Observed: 3 variant alleles.
Comment: GOLGA6L7: BS2

NM_001365371.2(GOLGA6L7):c.901A>G (p.Lys301Glu)

Gene: GOLGA6L7 (golgin A6 family like 7; minus strand). Cytogenetic location: 15q13.1.
Variant type: single nucleotide variant.
Coding change: c.901A>G on transcript NM_001365371.2 (MANE Select); coding-DNA position 901, A replaced by G.
Protein change: p.Lys301Glu; replaces lysine 301 with glutamic acid.
Molecular consequence: missense variant.
Genome position (GRCh38, 1-based): chr15:28,843,203, T>C on the plus strand (A>G on the coding strand, the complement: GOLGA6L7 is on the minus strand). VCF-style: chr15-28843203-T-C. GRCh37 (hg19) VCF-style: chr15-29088349-T-C.
Other names: short protein forms K301E.
Identifiers: ClinVar variation 3770832 (VCV003770832.13).